The following is an entry in ClinVar:

NM_006005.3(WFS1):c.2593C>T (p.His865Tyr)

Gene: WFS1 (wolframin ER transmembrane glycoprotein; plus strand). Cytogenetic location: 4p16.1.
Variant type: single nucleotide variant.
Coding change: c.2593C>T on transcript NM_006005.3 (MANE Select); coding-DNA position 2593, C replaced by T.
Protein change: p.His865Tyr; replaces histidine 865 with tyrosine.
Molecular consequence: missense variant.
Genome position (GRCh38, 1-based): chr4:6,302,388, C>T. VCF-style: chr4-6302388-C-T. GRCh37 (hg19) VCF-style: chr4-6304115-C-T.
Other names: c.2593C>T, p.His865Tyr (NM_001145853.1); short protein forms H865Y.
Identifiers: ClinVar variation 2899828 (VCV002899828.4), dbSNP rs2474197714, ClinGen allele CA356179377.
Genomic context (GRCh38, chr4:6,302,388, plus strand): 5'-ATCAGCTGCCTCAACTGCATGGCCCAGCTCTCACCCACCAGGCGGCACGTGAAGATCGAG[C>T]ACGACTGGCGCAGCACCGTGCATGGCGCCGTGAAGTTCGCCTTCGACTTCTTTTTCTTCC-3'
Protein context (NP_005996.2, residues 855-875): SPTRRHVKIE[His865Tyr]DWRSTVHGAV

ClinVar aggregate classification (germline): Uncertain significance. Review status: criteria provided, multiple submitters, no conflicts (2 of 4 stars). 2 submissions from 2 submitters: Uncertain significance (2). Last evaluated 2023-11-07.

gnomAD v4.1: 1 of 1,613,116 alleles (0.000062%); highest among the groups gnomAD compares: Non-Finnish European, 0.000085%; no homozygotes.

Submissions (2):

Labcorp Genetics (formerly Invitae), Labcorp
Classification: Uncertain significance. Last evaluated: 2023-11-07. Review status: criteria provided, single submitter. Criteria: Invitae Variant Classification Sherloc (09022015). Collection method: clinical testing. Allele origin: germline.
Comment: This sequence change replaces histidine, which is basic and polar, with tyrosine, which is neutral and polar, at codon 865 of the WFS1 protein (p.His865Tyr). This variant is not present in population databases (gnomAD no frequency). This variant has not been reported in the literature in individuals affected with WFS1-related conditions. Advanced modeling of protein sequence and biophysical properties (such as structural, functional, and spatial information, amino acid conservation, physicochemical variation, residue mobility, and thermodynamic stability) performed at Invitae indicates that this missense variant is not expected to disrupt WFS1 protein function with a negative predictive value of 95%. In summary, the available evidence is currently insufficient to determine the role of this variant in disease. Therefore, it has been classified as a Variant of Uncertain Significance.

Blueprint Genetics
Classification: Uncertain significance. Last evaluated: 2019-07-11. Review status: criteria provided, single submitter. Criteria: ACMG Guidelines, 2015. Collection method: clinical testing. Allele origin: germline.